The following is an entry in ClinVar:

NM_000069.3(CACNA1S):c.756_758dup (p.Arg253_Cys254insArg)

Gene: CACNA1S (calcium voltage-gated channel subunit alpha1 S; minus strand). Cytogenetic location: 1q32.1.
Variant type: Duplication.
Coding change: c.756_758dup on transcript NM_000069.3 (MANE Select); coding-DNA positions 756 to 758, 3 bases duplicated (CCG; older notation c.756_758dupCCG).
Protein change: p.Arg253_Cys254insArg.
Molecular consequence: inframe insertion.
Genome position (GRCh38, 1-based): chr1:201,089,400-201,089,402, CGG duplicated on the plus strand (CCG on the coding strand, the reverse complement: CACNA1S is on the minus strand); duplicating any 3 consecutive bases within chr1:201,089,400-201,089,404 gives the same sequence; the c. name uses the placement nearest the transcript's 3' end. VCF-style (leftmost placement, unchanged base first): chr1-201089399-C-CCGG. GRCh37 (hg19) VCF-style: chr1-201058527-C-CCGG.
Identifiers: ClinVar variation 2034022 (VCV002034022.4), dbSNP rs2464614954, ClinGen allele CA2580061870.

ClinVar aggregate classification (germline): Uncertain significance (1 of 4 stars; one submission).

Conditions:
Hypokalemic periodic paralysis, type 1. Also called: HypoPP; Hypokalemic Periodic Paralysis Type 1 (AD). Identifiers: Orphanet 681, MedGen C3714580, MONDO:0042979, OMIM 170400.
Malignant hyperthermia, susceptibility to, 5 (MHS5). Also called: CACNA1S-Related Malignant Hyperthermia Susceptibility. Identifiers: Orphanet 423, MedGen C1866077, MONDO:0011163, OMIM 601887.

Submission:

Labcorp Genetics (formerly Invitae), Labcorp
Classification: Uncertain significance for Hypokalemic periodic paralysis, type 1; Malignant hyperthermia, susceptibility to, 5. Last evaluated: 2023-07-07. Review status: criteria provided, single submitter. Criteria: Invitae Variant Classification Sherloc (09022015). Collection method: clinical testing. Allele origin: germline.
Comment: This variant, c.756_758dup, results in the insertion of 1 amino acid(s) of the CACNA1S protein (p.Arg253dup), but otherwise preserves the integrity of the reading frame. This variant is not present in population databases (gnomAD no frequency). This variant has not been reported in the literature in individuals affected with CACNA1S-related conditions. ClinVar contains an entry for this variant (Variation ID: 2034022). In summary, the available evidence is currently insufficient to determine the role of this variant in disease. Therefore, it has been classified as a Variant of Uncertain Significance.